The following is an entry in ClinVar:

ClinVar aggregate classification (germline): Uncertain significance (1 of 4 stars; one submission).

Conditions:
KIF21B-related disorder. Also called: KIF21B-related condition; KIF21B-related disorders.

Submission:

3billion
Classification: Uncertain significance for KIF21B-related disorder. Last evaluated: 2026-01-06. Review status: criteria provided, single submitter. Criteria: ACMG Guidelines, 2015. Collection method: clinical testing. Allele origin: germline. Affected: yes.
Comment: The variant is not observed in the gnomAD v4.1.0 dataset. Predicted Consequence/Location: Missense variant In silico tool predictions suggest damaging effect of the variant on gene or gene product [REVEL: 0.73 (>=0.6, sensitivity 0.68 and specificity 0.92)]. Therefore, this variant is classified as VUS according to the recommendation of ACMG/AMP guideline.

NM_001252102.2(KIF21B):c.4352G>A (p.Gly1451Asp)

Genes: KIF21B (kinesin family member 21B; minus strand), LOC126805976 (P300/CBP strongly-dependent group 1 enhancer GRCh37_chr1:200945792-200946991; plus strand). Cytogenetic location: 1q32.1.
Variant type: single nucleotide variant.
Coding change: c.4352G>A on transcript NM_001252102.2 (MANE Select); coding-DNA position 4352, G replaced by A.
Protein change: p.Gly1451Asp; replaces glycine 1451 with aspartic acid.
Molecular consequence: missense variant.
Genome position (GRCh38, 1-based): chr1:200,976,867, C>T on the plus strand (G>A on the coding strand, the complement: KIF21B is on the minus strand). VCF-style: chr1-200976867-C-T. GRCh37 (hg19) VCF-style: chr1-200945995-C-T.
Other names: c.4352G>A, p.Gly1451Asp (NM_001252100.2); c.4313G>A, p.Gly1438Asp (NM_001252103.2, NM_017596.4); short protein forms G1438D, G1451D.
Identifiers: ClinVar variation 4854964 (VCV004854964.1).